The following is an entry in ClinVar:

NM_014804.3(KIAA0753):c.2255T>C (p.Val752Ala)

Gene: KIAA0753 (KIAA0753; minus strand). Cytogenetic location: 17p13.1.
Variant type: single nucleotide variant.
Coding change: c.2255T>C on transcript NM_014804.3 (MANE Select); coding-DNA position 2255, T replaced by C.
Protein change: p.Val752Ala; replaces valine 752 with alanine.
Molecular consequence: missense variant. On other transcripts: non-coding transcript variant (3).
Genome position (GRCh38, 1-based): chr17:6,596,261, A>G on the plus strand (T>C on the coding strand, the complement: KIAA0753 is on the minus strand). VCF-style: chr17-6596261-A-G. GRCh37 (hg19) VCF-style: chr17-6499581-A-G.
Other names: c.1358T>C, p.Val453Ala (NM_001351225.2); short protein forms V752A, V453A.
Identifiers: ClinVar variation 3682940 (VCV003682940.2).

ClinVar aggregate classification (germline): Uncertain significance (1 of 4 stars; one submission).

Submission:

Labcorp Genetics (formerly Invitae), Labcorp
Classification: Uncertain significance. Last evaluated: 2024-10-30. Review status: criteria provided, single submitter. Criteria: Invitae Variant Classification Sherloc (09022015). Collection method: clinical testing. Allele origin: germline.
Comment: This sequence change replaces valine, which is neutral and non-polar, with alanine, which is neutral and non-polar, at codon 752 of the KIAA0753 protein (p.Val752Ala). This variant is not present in population databases (gnomAD no frequency). This variant has not been reported in the literature in individuals affected with KIAA0753-related conditions. An algorithm developed to predict the effect of missense changes on protein structure and function (PolyPhen-2) suggests that this variant is likely to be tolerated. In summary, the available evidence is currently insufficient to determine the role of this variant in disease. Therefore, it has been classified as a Variant of Uncertain Significance.